The following is an entry in ClinVar:

ClinVar aggregate classification (germline): Uncertain significance (1 of 4 stars; one submission).

Conditions:
PLXNA3-related disorder. Also called: PLXNA3-related condition.

gnomAD v4.1: 11 of 1,209,708 alleles (0.00091%); highest among the groups gnomAD compares: Middle Eastern, 0.23%; no homozygotes.

Submission:

PreventionGenetics, part of Exact Sciences
Classification: Uncertain significance for PLXNA3-related condition. Last evaluated: 2026-08-04. Review status: criteria provided, single submitter. Criteria: ACMG Guidelines, 2015. Collection method: clinical testing. Allele origin: germline.
Comment: The PLXNA3 c.2604G>C variant is predicted to result in the amino acid substitution p.Leu868Phe. To our knowledge, this variant has not been reported in the literature or in a large population database (gnomAD), indicating this variant is rare. At this time, the clinical significance of this variant is uncertain due to the absence of conclusive functional and genetic evidence.

NM_017514.5(PLXNA3):c.2604G>C (p.Leu868Phe)

Gene: PLXNA3 (plexin A3; plus strand). Cytogenetic location: Xq28.
Variant type: single nucleotide variant.
Coding change: c.2604G>C on transcript NM_017514.5 (MANE Select); coding-DNA position 2604, G replaced by C.
Protein change: p.Leu868Phe; replaces leucine 868 with phenylalanine.
Molecular consequence: missense variant.
Genome position (GRCh38, 1-based): chrX:154,466,006, G>C. VCF-style: chrX-154466006-G-C. GRCh37 (hg19) VCF-style: chrX-153694349-G-C.
Other names: short protein forms L868F.
Identifiers: ClinVar variation 3358080 (VCV003358080.2).